The following is an entry in ClinVar:

NM_004656.4(BAP1):c.931+1G>A

Gene: BAP1 (BRCA1 associated deubiquitinase 1; minus strand). Cytogenetic location: 3p21.1.
Variant type: single nucleotide variant.
Coding change: c.931+1G>A on transcript NM_004656.4 (MANE Select); the canonical splice donor site of the intron after coding-DNA position 931, G replaced by A.
Molecular consequence: splice donor variant.
Genome position (GRCh38, 1-based): chr3:52,405,764, C>T on the plus strand (G>A on the coding strand, the complement: BAP1 is on the minus strand). VCF-style: chr3-52405764-C-T. GRCh37 (hg19) VCF-style: chr3-52439780-C-T.
Other names: c.877+1G>A (NM_001410772.1); c.931+1G>A (NM_004656.2).
Identifiers: ClinVar variation 3705807 (VCV003705807.4).

ClinVar aggregate classification (germline): Likely pathogenic. Review status: criteria provided, multiple submitters, no conflicts (2 of 4 stars). 3 submissions from 3 submitters: Likely pathogenic (3). Last evaluated 2025-03-04.

Conditions:
Hereditary cancer-predisposing syndrome. Also called: Hereditary neoplastic syndrome; Tumor predisposition; Hereditary Cancer Syndrome; Neoplastic Syndromes, Hereditary. Identifiers: Orphanet 140162, MedGen C0027672, MeSH D009386, MONDO:0015356.
BAP1-related tumor predisposition syndrome (TPDS1). Also called: TUMOR PREDISPOSITION SYNDROME 1; BAP1 tumor predisposition syndrome; Tumor susceptibility linked to germline BAP1 mutations; COMMON Syndrome. Identifiers: Orphanet 289539, MedGen C3280492, MONDO:0013692, OMIM 614327.

Submissions (3):

Molecular Diagnostics Laboratory, Catalan Institute of Oncology
Classification: Likely pathogenic for Hereditary cancer-predisposing syndrome. Last evaluated: 2025-03-04. Review status: criteria provided, single submitter. Criteria: ACMG Guidelines, 2015. Collection method: clinical testing. Allele origin: germline.
Comment: PVS1, PM2_Supporting c.931+1G>A, located in a canonic splicing site of the BAP1 gene, is predicted to alter splicing. The SpliceAI algorithm predicts that the variant disrupts the canonical donor site (SpliceAI-DonorLoss score: 0.99), probably causing the skipping of exon 10 (r.784_931del). This alteration is expected to result in loss of function by premature protein truncation and nonsense-mediated mRNA decay (p.Leu262Metfs*24) (PVS1). It is not present in the population database gnomAD v2.1.1, non-cancer dataset (PM2_supporting). To our knowledge, neither relevant clinical data nor well-established functional studies have been reported for this variant. Based on currently available information, the variant c.931+1G>A should be considered a likely pathogenic variant.

Ambry Genetics
Classification: Likely pathogenic for Hereditary cancer-predisposing syndrome. Last evaluated: 2025-02-20. Review status: criteria provided, single submitter. Criteria: Ambry Variant Classification Scheme 2023. Collection method: clinical testing. Allele origin: germline.
Comment: The c.931+1G>A intronic variant results from a G to A substitution one nucleotide after coding exon 10 of the BAP1 gene. This nucleotide position is highly conserved in available vertebrate species. In silico splice site analysis predicts that this alteration will weaken the native splice donor site; however, direct evidence is insufficient at this time (Ambry internal data). This variant is considered to be rare based on population cohorts in the Genome Aggregation Database (gnomAD). Alterations that disrupt the canonical splice site are expected to cause aberrant splicing, resulting in an abnormal protein or a transcript that is subject to nonsense-mediated mRNA decay. As such, this alteration is classified as likely pathogenic.

Labcorp Genetics (formerly Invitae), Labcorp
Classification: Likely pathogenic for BAP1-related tumor predisposition syndrome. Last evaluated: 2024-09-23. Review status: criteria provided, single submitter. Criteria: Invitae Variant Classification Sherloc (09022015). Collection method: clinical testing. Allele origin: germline.
Comment: This sequence change affects a donor splice site in intron 10 of the BAP1 gene. It is expected to disrupt RNA splicing. Variants that disrupt the donor or acceptor splice site typically lead to a loss of protein function (PMID: 16199547), and loss-of-function variants in BAP1 are known to be pathogenic (PMID: 21874000, 23684012). This variant is not present in population databases (gnomAD no frequency). This variant has not been reported in the literature in individuals affected with BAP1-related conditions. Algorithms developed to predict the effect of sequence changes on RNA splicing suggest that this variant may disrupt the consensus splice site. In summary, the currently available evidence indicates that the variant is pathogenic, but additional data are needed to prove that conclusively. Therefore, this variant has been classified as Likely Pathogenic.

Literature cited by the submitters: PubMed 16199547 (cited by Labcorp Genetics (formerly Invitae), Labcorp); PubMed 21874000 (cited by Labcorp Genetics (formerly Invitae), Labcorp); PubMed 23684012 (cited by Labcorp Genetics (formerly Invitae), Labcorp).